The following is an entry in ClinVar:

NM_003764.4(STX11):c.458_459delinsCC (p.Gln153Pro)

Gene: STX11 (syntaxin 11; plus strand). Cytogenetic location: 6q24.2.
Variant type: Indel.
Coding change: c.458_459delinsCC on transcript NM_003764.4 (MANE Select); coding-DNA positions 458 to 459, AG replaced by CC.
Protein change: p.Gln153Pro; replaces glutamine 153 with proline.
Molecular consequence: missense variant.
Genome position (GRCh38, 1-based): chr6:144,187,085-144,187,086, AG replaced by CC. VCF-style: chr6-144187085-AG-CC. GRCh37 (hg19) VCF-style: chr6-144508222-AG-CC.
Other names: short protein forms Q153P.
Identifiers: ClinVar variation 2049995 (VCV002049995.4), dbSNP rs2533802637, ClinGen allele CA2580075173.

ClinVar aggregate classification (germline): Uncertain significance (1 of 4 stars; one submission).

Conditions:
Familial hemophagocytic lymphohistiocytosis 4 (FHL4). Also called: STX11-Related Familial Hemophagocytic Lymphohistiocytosis (STX11-fHLH). Identifiers: Orphanet 540, MedGen C1863728, MONDO:0011336, OMIM 603552.

Submission:

Labcorp Genetics (formerly Invitae), Labcorp
Classification: Uncertain significance for Familial hemophagocytic lymphohistiocytosis 4. Last evaluated: 2021-12-20. Review status: criteria provided, single submitter. Criteria: Invitae Variant Classification Sherloc (09022015). Collection method: clinical testing. Allele origin: germline.
Comment: This sequence change replaces glutamine, which is neutral and polar, with proline, which is neutral and non-polar, at codon 153 of the STX11 protein (p.Gln153Pro). Information on the frequency of this variant in the gnomAD database is not available, as this variant may be reported differently in the database. This variant has not been reported in the literature in individuals affected with STX11-related conditions. Algorithms developed to predict the effect of missense changes on protein structure and function are either unavailable or do not agree on the potential impact of this missense change (SIFT: "Not Available"; PolyPhen-2: "Probably Damaging"; Align-GVGD: "Not Available"). In summary, the available evidence is currently insufficient to determine the role of this variant in disease. Therefore, it has been classified as a Variant of Uncertain Significance.